The following is an entry in ClinVar:

NM_000153.4(GALC):c.195+164G>A

Gene: GALC (galactosylceramidase; minus strand). Cytogenetic location: 14q31.3.
Variant type: single nucleotide variant.
Coding change: c.195+164G>A on transcript NM_000153.4 (MANE Select); 164 bases into the intron after coding-DNA position 195, G replaced by A.
Molecular consequence: intron variant.
Genome position (GRCh38, 1-based): chr14:87,992,806, C>T on the plus strand (G>A on the coding strand, the complement: GALC is on the minus strand). VCF-style: chr14-87992806-C-T. GRCh37 (hg19) VCF-style: chr14-88459150-C-T.
Other names: c.117+577G>A (NM_001201402.2); c.195+164G>A (NM_001201401.2).
Identifiers: ClinVar variation 681824 (VCV000681824.2), dbSNP rs78727833, ClinGen allele CA13997402.

ClinVar aggregate classification (germline): Benign. Review status: criteria provided, multiple submitters, no conflicts (2 of 4 stars). 2 submissions from 2 submitters: Benign (2). Last evaluated 2018-06-19.

Allele frequency attached by ClinVar (database versions not stated): 1000 Genomes Project 0.07867; 1000 Genomes Project 30x 0.08104; TOPMed 0.10545; gnomAD 0.11167 and 0.11288; gnomAD exomes 0.14518.
gnomAD v4.1: 198,346 of 1,405,422 alleles (14%); highest among the groups gnomAD compares: Non-Finnish European, 15%; 15,046 homozygotes.

Submissions (2):

GeneDx
Classification: Benign. Last evaluated: 2018-06-19. Review status: criteria provided, single submitter. Criteria: GeneDx Variant Classification (06012015). Collection method: clinical testing. Allele origin: germline. Affected: yes.
Comment: This variant is considered likely benign or benign based on one or more of the following criteria: it is a conservative change, it occurs at a poorly conserved position in the protein, it is predicted to be benign by multiple in silico algorithms, and/or has population frequency not consistent with disease.

Breakthrough Genomics
Classification: Benign. Review status: criteria provided, single submitter. Criteria: ACMG Guidelines, 2015. Collection method: not provided. Allele origin: germline. Inheritance: Autosomal recessive inheritance. Affected: yes.